The following is an entry in ClinVar:

ClinVar aggregate classification (germline): Likely benign (1 of 4 stars; one submission).

Conditions:
ADCY3-related disorder. Also called: ADCY3-related condition.

gnomAD v4.1: 10 of 1,607,100 alleles (0.00062%); highest among the groups gnomAD compares: South Asian, 0.011%; no homozygotes.

Submission:

PreventionGenetics, part of Exact Sciences
Classification: Likely benign for ADCY3-related condition. Last evaluated: 2024-10-08. Review status: criteria provided, single submitter. Criteria: ACMG Guidelines, 2015. Collection method: clinical testing. Allele origin: germline.
Comment: This variant is classified as likely benign based on ACMG/AMP sequence variant interpretation guidelines (Richards et al. 2015 PMID: 25741868, with internal and published modifications).

NM_004036.5(ADCY3):c.39G>C (p.Ser13=)

Gene: ADCY3 (adenylate cyclase 3; minus strand). Cytogenetic location: 2p23.3.
Variant type: single nucleotide variant.
Coding change: c.39G>C on transcript NM_004036.5 (MANE Select); coding-DNA position 39, G replaced by C.
Protein change: p.Ser13=; no amino-acid change (serine 13 retained).
Molecular consequence: synonymous variant.
Genome position (GRCh38, 1-based): chr2:24,918,949, C>G on the plus strand (G>C on the coding strand, the complement: ADCY3 is on the minus strand). VCF-style: chr2-24918949-C-G. GRCh37 (hg19) VCF-style: chr2-25141818-C-G.
Other names: c.39G>C, p.Ser13= (NM_001320613.2, NM_001377128.1, NM_001377129.1 and 2 more transcripts).
Identifiers: ClinVar variation 4981751 (VCV004981751.1).